The following is an entry in ClinVar:

NM_001131016.2(CIZ1):c.1196C>T (p.Pro399Leu)

Gene: CIZ1 (CDKN1A interacting zinc finger protein 1; minus strand). Cytogenetic location: 9q34.11.
Variant type: single nucleotide variant.
Coding change: c.1196C>T on transcript NM_001131016.2 (MANE Select); coding-DNA position 1196, C replaced by T.
Protein change: p.Pro399Leu; replaces proline 399 with leucine.
Molecular consequence: missense variant. On other transcripts: intron variant (3).
Genome position (GRCh38, 1-based): chr9:128,179,011, G>A on the plus strand (C>T on the coding strand, the complement: CIZ1 is on the minus strand). VCF-style: chr9-128179011-G-A. GRCh37 (hg19) VCF-style: chr9-130941290-G-A.
Other names: c.1286C>T, p.Pro429Leu (NM_001257975.2); c.893C>T, p.Pro298Leu (NM_001257976.2); c.1196C>T, p.Pro399Leu (NM_012127.3); c.1134+62C>T (NM_001131015.2); c.1062+62C>T (NM_001131018.2); c.1119+62C>T (NM_001131017.2); short protein forms P298L, P399L, P429L.
Identifiers: ClinVar variation 3388404 (VCV003388404.16).

ClinVar aggregate classification (germline): Conflicting classifications of pathogenicity. Review status: criteria provided, conflicting classifications (1 of 4 stars). 2 submissions from 2 submitters: Uncertain significance (1); Likely benign (1). Last evaluated 2024-09-01.

Conditions:
Dystonic disorder. Also called: Dystonia. Identifiers: MedGen C0013421, MONDO:0003441, HP:0001332.

Submissions (2):

CeGaT Center for Human Genetics Tuebingen
Classification: Likely benign. Last evaluated: 2024-09-01. Review status: criteria provided, single submitter. Criteria: CeGaT Center For Human Genetics Tuebingen Variant Classification Criteria Version 2. Collection method: clinical testing. Allele origin: germline. Affected: yes. Observed: 1 variant allele.
Comment: CIZ1: BP4

Labcorp Genetics (formerly Invitae), Labcorp
Classification: Uncertain significance for Dystonic disorder. Last evaluated: 2024-02-22. Review status: criteria provided, single submitter. Criteria: Invitae Variant Classification Sherloc (09022015). Collection method: clinical testing. Allele origin: germline.
Comment: This sequence change replaces proline, which is neutral and non-polar, with leucine, which is neutral and non-polar, at codon 399 of the CIZ1 protein (p.Pro399Leu). This variant is present in population databases (rs143363044, gnomAD 0.05%), and has an allele count higher than expected for a pathogenic variant. This variant has not been reported in the literature in individuals affected with CIZ1-related conditions. Algorithms developed to predict the effect of missense changes on protein structure and function output the following: SIFT: "Not Available"; PolyPhen-2: "Probably Damaging"; Align-GVGD: "Not Available". The leucine amino acid residue is found in multiple mammalian species, which suggests that this missense change does not adversely affect protein function. In summary, the available evidence is currently insufficient to determine the role of this variant in disease. Therefore, it has been classified as a Variant of Uncertain Significance.